The following is an entry in ClinVar:

NM_001111.5(ADAR):c.1072AAG[1] (p.Lys359del)

Gene: ADAR (adenosine deaminase RNA specific; minus strand). Cytogenetic location: 1q21.3.
Variant type: Microsatellite.
Coding change: c.1072AAG[1] on transcript NM_001111.5 (MANE Select); one copy of the 3-base unit AAG starting at c.1072; the reference has two copies in a row; one copy, 3 bases deleted.
Protein change: p.Lys359del; deletes lysine 359.
Molecular consequence: inframe deletion.
Genome position (GRCh38, 1-based): chr1:154,601,565-154,601,567, CTT deleted on the plus strand (AAG on the coding strand, the reverse complement: ADAR is on the minus strand); deleting any 3 consecutive bases within chr1:154,601,565-154,601,570 gives the same sequence; the position shown is the placement nearest the transcript's 3' end. VCF-style (leftmost placement, unchanged base first): chr1-154601564-GCTT-G. GRCh37 (hg19) VCF-style: chr1-154574040-GCTT-G.
Other names: c.187AAG[1], p.Lys64del (NM_001025107.3, NM_001193495.2, NM_001365046.1 and 3 more transcripts); c.1099AAG[1], p.Lys368del (NM_001365045.1); c.1072AAG[1], p.Lys359del (NM_015840.4, NM_015841.4); short protein forms K368del, K359del, K64del.
Identifiers: ClinVar variation 2922368 (VCV002922368.3), dbSNP rs2526654007, ClinGen allele CA2740090367.

ClinVar aggregate classification (germline): Uncertain significance (1 of 4 stars; one submission).

Conditions:
Symmetrical dyschromatosis of extremities (DSH). Also called: DYSCHROMATOSIS SYMMETRICA HEREDITARIA 1; RETICULATE ACROPIGMENTATION OF DOHI; SYMMETRIC DYSCHROMATOSIS OF THE EXTREMITIES; Dyschromatosis symmetrica hereditaria. Identifiers: Orphanet 41, MedGen C0406775, MONDO:0007483, OMIM 127400.
Aicardi-Goutieres syndrome 6 (AGS6). Identifiers: Orphanet 51, MedGen C3539013, MONDO:0014007, OMIM 615010.

Submission:

Labcorp Genetics (formerly Invitae), Labcorp
Classification: Uncertain significance for Aicardi-Goutieres syndrome 6; Symmetrical dyschromatosis of extremities. Last evaluated: 2024-03-07. Review status: criteria provided, single submitter. Criteria: Invitae Variant Classification Sherloc (09022015). Collection method: clinical testing. Allele origin: germline.
Comment: This variant, c.1075_1077del, results in the deletion of 1 amino acid(s) of the ADAR protein (p.Lys359del), but otherwise preserves the integrity of the reading frame. This variant is not present in population databases (gnomAD no frequency). This variant has not been reported in the literature in individuals affected with ADAR-related conditions. Experimental studies and prediction algorithms are not available or were not evaluated, and the functional significance of this variant is currently unknown. In summary, the available evidence is currently insufficient to determine the role of this variant in disease. Therefore, it has been classified as a Variant of Uncertain Significance.